The following is an entry in ClinVar:

NM_182931.3(KMT2E):c.3033G>T (p.Arg1011Ser)

Gene: KMT2E (lysine methyltransferase 2E (inactive); plus strand). Cytogenetic location: 7q22.3.
Variant type: single nucleotide variant.
Coding change: c.3033G>T on transcript NM_182931.3 (MANE Select); coding-DNA position 3033, G replaced by T.
Protein change: p.Arg1011Ser; replaces arginine 1011 with serine.
Molecular consequence: missense variant.
Genome position (GRCh38, 1-based): chr7:105,107,490, G>T. VCF-style: chr7-105107490-G-T. GRCh37 (hg19) VCF-style: chr7-104747937-G-T.
Other names: c.3033G>T, p.Arg1011Ser (NM_001410908.1, NM_018682.4); short protein forms R1011S.
Identifiers: ClinVar variation 4690116 (VCV004690116.2).
Genomic context (GRCh38, chr7:105,107,490, plus strand): 5'-TCTGCAAGAAATAAAGACTATTGGTTATACGAGCCCTAGGAGTAGGACTGAAGTCAACAG[G>T]CAGTGTCCTGGAGAAAAGGAACCTGTGTCAGACCTTCAGCTAGGACTCGATGCAGTTGAG-3'
Protein context (NP_891847.1, residues 1001-1021): TSPRSRTEVN[Arg1011Ser]QCPGEKEPVS

ClinVar aggregate classification (germline): Uncertain significance. Review status: criteria provided, multiple submitters, no conflicts (2 of 4 stars). 2 submissions from 2 submitters: Uncertain significance (2). Last evaluated 2026-06-22.

Conditions:
Inborn genetic diseases. Identifiers: MedGen C0950123, MeSH D030342.

Submissions (2):

Ambry Genetics
Classification: Uncertain significance for Inborn genetic diseases. Last evaluated: 2026-06-22. Review status: criteria provided, single submitter. Criteria: Ambry Variant Classification Scheme 2023. Collection method: clinical testing. Allele origin: germline.

GeneDx
Classification: Uncertain significance. Last evaluated: 2025-07-29. Review status: criteria provided, single submitter. Criteria: GeneDx Variant Classification Process June 2021. Collection method: clinical testing. Allele origin: germline. Affected: yes.
Comment: Not observed at significant frequency in large population cohorts (gnomAD); In silico analysis suggests that this missense variant does not alter protein structure/function; Has not been previously published as pathogenic or benign to our knowledge